The following is an entry in ClinVar:

NM_000419.5(ITGA2B):c.303T>C (p.Phe101=)

Gene: ITGA2B (integrin subunit alpha 2b; minus strand). Cytogenetic location: 17q21.31.
Variant type: single nucleotide variant.
Coding change: c.303T>C on transcript NM_000419.5 (MANE Select); coding-DNA position 303, T replaced by C.
Protein change: p.Phe101=; no amino-acid change (phenylalanine 101 retained).
Molecular consequence: synonymous variant.
Genome position (GRCh38, 1-based): chr17:44,386,017, A>G on the plus strand (T>C on the coding strand, the complement: ITGA2B is on the minus strand). VCF-style: chr17-44386017-A-G. GRCh37 (hg19) VCF-style: chr17-42463385-A-G.
Identifiers: ClinVar variation 4994698 (VCV004994698.1).

ClinVar aggregate classification (germline): Uncertain significance (1 of 4 stars; one submission).

Conditions:
ITGA2B-related disorder. Also called: ITGA2B-related condition; ITGA2B-related disorders.

Submission:

PreventionGenetics, part of Exact Sciences
Classification: Uncertain significance for ITGA2B-related condition. Last evaluated: 2025-09-08. Review status: criteria provided, single submitter. Criteria: ACMG Guidelines, 2015. Collection method: clinical testing. Allele origin: germline.
Comment: The ITGA2B c.303T>C variant is not predicted to result in an amino acid change (p.=). This variant is predicted to alter splicing based on available splicing prediction programs (SpliceAI, Jaganathan et al. 2019. PubMed ID: 30661751). However, such computer prediction programs are imperfect. To our knowledge, this variant has not been reported in the literature or in a large population database (gnomAD), indicating this variant is rare. At this time, the clinical significance of this variant is uncertain due to the absence of conclusive functional and genetic evidence.